The following is an entry in ClinVar:

ClinVar aggregate classification (germline): Uncertain significance. Review status: criteria provided, multiple submitters, no conflicts (2 of 4 stars). 5 submissions from 5 submitters: Uncertain significance (5). Last evaluated 2025-11-20.

Conditions:
Familial colorectal cancer type X. Identifiers: Orphanet 440437, MedGen C3896578, MONDO:0018604.
Hereditary cancer-predisposing syndrome. Also called: Neoplastic Syndromes, Hereditary; Hereditary neoplastic syndrome; Tumor predisposition; Hereditary Cancer Syndrome. Identifiers: Orphanet 140162, MedGen C0027672, MeSH D009386, MONDO:0015356.
Ataxia-telangiectasia syndrome (AT). Also called: Ataxia telangiectasia (A-T); Cerebello-oculocutaneous telangiectasia; Immunodeficiency with ataxia telangiectasia; LOUIS-BAR SYNDROME; AT, COMPLEMENTATION GROUP C; ATAXIA-TELANGIECTASIA, FRESNO VARIANT. Identifiers: Orphanet 100, MedGen C0004135, MONDO:0008840, OMIM 208900.
Familial cancer of breast. Also called: hereditary breast carcinoma; Hereditary breast cancer; BREAST CANCER, FAMILIAL. Identifiers: Orphanet 227535, MedGen C0346153, MONDO:0016419, OMIM 114480. Disease mechanism: loss of function.

Allele frequency attached by ClinVar (database versions not stated): TOPMed below 0.00001; gnomAD 0.00001.

Submissions (5):

Ambry Genetics
Classification: Uncertain significance for Hereditary cancer-predisposing syndrome. Last evaluated: 2025-11-20. Review status: criteria provided, single submitter. Criteria: Ambry Variant Classification Scheme 2023. Collection method: clinical testing. Allele origin: germline.
Comment: The p.D2889G variant (also known as c.8666A>G), located in coding exon 58 of the ATM gene, results from an A to G substitution at nucleotide position 8666. The aspartic acid at codon 2889 is replaced by glycine, an amino acid with similar properties. This amino acid position is highly conserved in available vertebrate species. In addition, this alteration is predicted to be deleterious by in silico analysis. Based on the available evidence, the clinical significance of this variant remains unclear.

Labcorp Genetics (formerly Invitae), Labcorp
Classification: Uncertain significance for Ataxia-telangiectasia syndrome. Last evaluated: 2025-06-18. Review status: criteria provided, single submitter. Criteria: Invitae Variant Classification Sherloc (09022015). Collection method: clinical testing. Allele origin: germline.
Comment: This sequence change replaces aspartic acid, which is acidic and polar, with glycine, which is neutral and non-polar, at codon 2889 of the ATM protein (p.Asp2889Gly). This variant is not present in population databases (gnomAD no frequency). This variant has not been reported in the literature in individuals affected with ATM-related conditions. ClinVar contains an entry for this variant (Variation ID: 229856). Invitae Evidence Modeling of protein sequence and biophysical properties (such as structural, functional, and spatial information, amino acid conservation, physicochemical variation, residue mobility, and thermodynamic stability) indicates that this missense variant is expected to disrupt ATM protein function with a positive predictive value of 95%. In summary, the available evidence is currently insufficient to determine the role of this variant in disease. Therefore, it has been classified as a Variant of Uncertain Significance.

Baylor Genetics
Classification: Uncertain significance for Familial cancer of breast. Last evaluated: 2024-03-25. Review status: criteria provided, single submitter. Criteria: ACMG Guidelines, 2015. Collection method: clinical testing. Allele origin: unknown.

Color Diagnostics, LLC DBA Color Health
Classification: Uncertain significance for Hereditary cancer-predisposing syndrome. Last evaluated: 2023-12-05. Review status: criteria provided, single submitter. Criteria: ACMG Guidelines, 2015. Collection method: clinical testing. Allele origin: germline.
Comment: This missense variant replaces aspartic acid with glycine at codon 2889 of the ATM protein. Computational prediction suggests that this variant may have deleterious impact on protein structure and function (internally defined REVEL score threshold >= 0.7, PMID: 27666373). To our knowledge, functional studies have not been reported for this variant. This variant has not been reported in individuals affected with ATM-related disorders in the literature. This variant has not been identified in the general population by the Genome Aggregation Database (gnomAD). The available evidence is insufficient to determine the role of this variant in disease conclusively. Therefore, this variant is classified as a Variant of Uncertain Significance.

Department of Pathology and Laboratory Medicine, Sinai Health System
Classification: Uncertain significance for Familial colorectal cancer type X. Last evaluated: 2022-03-17. Review status: criteria provided, single submitter. Criteria: ACMG Guidelines, 2015. Collection method: clinical testing. Allele origin: germline. Affected: yes.

NM_000051.4(ATM):c.8666A>G (p.Asp2889Gly)

Genes: ATM (ATM serine/threonine kinase; plus strand), C11orf65 (chromosome 11 open reading frame 65; minus strand). Cytogenetic location: 11q22.3.
Variant type: single nucleotide variant.
Coding change: c.8666A>G on transcript NM_000051.4 (MANE Select); coding-DNA position 8666, A replaced by G.
Protein change: p.Asp2889Gly; replaces aspartic acid 2889 with glycine.
Molecular consequence: missense variant. On other transcripts: intron variant (2).
Genome position (GRCh38, 1-based): chr11:108,347,360, A>G. VCF-style: chr11-108347360-A-G. GRCh37 (hg19) VCF-style: chr11-108218087-A-G.
Other names: c.8666A>G, p.Asp2889Gly (NM_001351834.2); c.641-38289T>C (NM_001330368.2); c.695-12068T>C (NM_001351110.2); short protein forms D2889G.
Identifiers: ClinVar variation 229856 (VCV000229856.19), dbSNP rs876658236, ClinGen allele CA10579312.
Genomic context (GRCh38, chr11:108,347,360, plus strand): 5'-GTGATAGACATGTACAGAATATCTTGATAAATGAGCAGTCAGCAGAACTTGTACATATAG[A>G]TCTAGGTAAGTAATAAAATCTATGTATCTATTCTTTTTAGTAAATATTTGGTCATCATGG-3'
Protein context (NP_000042.3, residues 2879-2899): NEQSAELVHI[Asp2889Gly]LGVAFEQGKI